The following is an entry in ClinVar:

ClinVar aggregate classification (germline): Likely pathogenic (1 of 4 stars; one submission).

Conditions:
Autosomal dominant polycystic kidney disease. Identifiers: Orphanet 730, MedGen C0085413, MONDO:0004691.

Submission:

Molecular Genetics, Royal Melbourne Hospital
Classification: Likely pathogenic for Autosomal dominant polycystic kidney disease. Last evaluated: 2024-01-05. Review status: criteria provided, single submitter. Criteria: ACMG Guidelines, 2015. Collection method: clinical testing. Allele origin: germline. Inheritance: Autosomal dominant inheritance. Affected: yes.
Comment: This sequence change in PKD1 is a frameshift variant predicted to cause a premature stop codon, p.(Leu2574Glnfs*45), in biologically relevant exon 20/46 leading to nonsense-mediated decay in a gene in which loss-of-function is an established disease mechanism (ClinGen). This variant is absent from the population database gnomAD v4.0. To our knowledge, this variant is novel and has not been previously reported in the relevant scientific literature or databases. Based on the classification scheme RMH Modified ACMG/AMP Guidelines v1.6.1, this variant is classified as LIKELY PATHOGENIC. Following criteria are met: PVS1, PM2_Supporting

NM_001009944.3(PKD1):c.7721_7724del (p.Leu2574fs)

Gene: PKD1 (polycystin 1, transient receptor potential channel interacting; minus strand). Cytogenetic location: 16p13.3.
Variant type: Deletion.
Coding change: c.7721_7724del on transcript NM_001009944.3 (MANE Select); coding-DNA positions 7721 to 7724, 4 bases deleted (TCCC; older notation c.7721_7724delTCCC).
Protein change: p.Leu2574fs; shifts the reading frame from leucine 2574.
Molecular consequence: frameshift variant.
Genome position (GRCh38, 1-based): chr16:2,106,004-2,106,007, GGGA deleted on the plus strand (TCCC on the coding strand, the reverse complement: PKD1 is on the minus strand); deleting any 4 consecutive bases within chr16:2,106,004-2,106,010 gives the same sequence; the c. name uses the placement nearest the transcript's 3' end. VCF-style (leftmost placement, unchanged base first): chr16-2106003-TGGGA-T. GRCh37 (hg19) VCF-style: chr16-2156004-TGGGA-T.
Other names: c.7721_7724delTCCC (NM_001009944.3); c.7721_7724del, p.Leu2574fs (NM_000296.4); short protein forms L2574fs.
Identifiers: ClinVar variation 3068707 (VCV003068707.1), dbSNP rs2544776290, ClinGen allele CA2695201648.